The following is an entry in ClinVar:

NM_001036.6(RYR3):c.14103C>T (p.Asp4701=)

Genes: AVEN (apoptosis and caspase activation inhibitor; minus strand), RYR3 (ryanodine receptor 3; plus strand). Cytogenetic location: 15q14.
Variant type: single nucleotide variant.
Coding change: c.14103C>T on transcript NM_001036.6 (MANE Select); coding-DNA position 14103, C replaced by T.
Protein change: p.Asp4701=; no amino-acid change (aspartic acid 4701 retained).
Molecular consequence: synonymous variant.
Genome position (GRCh38, 1-based): chr15:33,857,875, C>T. VCF-style: chr15-33857875-C-T. GRCh37 (hg19) VCF-style: chr15-34150076-C-T.
Other names: c.14088C>T, p.Asp4696= (NM_001243996.4).
Identifiers: ClinVar variation 749271 (VCV000749271.26), dbSNP rs202170755, ClinGen allele CA7461896.
Genomic context (GRCh38, chr15:33,857,875, plus strand): 5'-TTATCTCTATACTGTGGTGGCTTTCAACTTCTTCCGCAAGTTCTACAACAAAAGCGAAGA[C>T]GATGACGAGCCCGATATGAAGTGCGACGACATGATGACGGTGAGAGCCCACCCACTGCGG-3'
Protein context (NP_001027.3, residues 4691-4711): FFRKFYNKSE[Asp4701=]DDEPDMKCDD

ClinVar aggregate classification (germline): Likely benign. Review status: criteria provided, multiple submitters, no conflicts (2 of 4 stars). 3 submissions from 3 submitters: Likely benign (3). Last evaluated 2024-11-01.

Conditions:
Epileptic encephalopathy. Identifiers: MedGen C0543888, HP:0200134.

Allele frequency attached by ClinVar (database versions not stated): gnomAD 0.00004 and 0.00009; TOPMed 0.00006; ESP Exome Variant Server 0.00008; gnomAD exomes 0.00021; ExAC 0.00022; 1000 Genomes Project 30x 0.00062; 1000 Genomes Project 0.00080.
gnomAD v4.1: 166 of 1,614,174 alleles (0.01%); highest among the groups gnomAD compares: South Asian, 0.13%; no homozygotes.

Submissions (3):

CeGaT Center for Human Genetics Tuebingen
Classification: Likely benign. Last evaluated: 2024-11-01. Review status: criteria provided, single submitter. Criteria: CeGaT Center For Human Genetics Tuebingen Variant Classification Criteria Version 2. Collection method: clinical testing. Allele origin: germline. Affected: yes. Observed: 1 variant allele.
Comment: RYR3: BP4, BP7

Blueprint Genetics
Classification: Likely benign. Last evaluated: 2024-03-18. Review status: criteria provided, single submitter. Criteria: ACMG Guidelines, 2015. Collection method: clinical testing. Allele origin: germline.

Labcorp Genetics (formerly Invitae), Labcorp
Classification: Likely benign for Epileptic encephalopathy. Last evaluated: 2023-09-07. Review status: criteria provided, single submitter. Criteria: Invitae Variant Classification Sherloc (09022015). Collection method: clinical testing. Allele origin: germline.